The following is an entry in ClinVar:

NM_001382430.1(AKT1):c.1404C>G (p.His468Gln)

Gene: AKT1 (AKT serine/threonine kinase 1; minus strand). Cytogenetic location: 14q32.33.
Variant type: single nucleotide variant.
Coding change: c.1404C>G on transcript NM_001382430.1 (MANE Select); coding-DNA position 1404, C replaced by G.
Protein change: p.His468Gln; replaces histidine 468 with glutamine.
Molecular consequence: missense variant.
Genome position (GRCh38, 1-based): chr14:104,770,380, G>C on the plus strand (C>G on the coding strand, the complement: AKT1 is on the minus strand). VCF-style: chr14-104770380-G-C. GRCh37 (hg19) VCF-style: chr14-105236717-G-C.
Other names: c.1404C>G, p.His468Gln (NM_001014431.2, NM_001014432.2, NM_001382431.1 and 3 more transcripts); short protein forms H468Q.
Identifiers: ClinVar variation 4036009 (VCV004036009.1).
Genomic context (GRCh38, chr14:104,770,380, plus strand): 5'-CCAGCGCAGTCCACCGCCGCCTCAGGCCGTGCCGCTGGCCGAGTAGGAGAACTGGGGGAA[G>C]TGGGGCCTGCGCTCGCTGTCCACACACTCCATGCTGTCATCTGTGGGTGTAGACAGCTCA-3'
Protein context (NP_001369359.1, residues 458-478): MECVDSERRP[His468Gln]FPQFSYSASG

ClinVar aggregate classification (germline): Uncertain significance (1 of 4 stars; one submission).

Conditions:
Inborn genetic diseases. Identifiers: MedGen C0950123, MeSH D030342.

Submission:

Ambry Genetics
Classification: Uncertain significance for Inborn genetic diseases. Last evaluated: 2025-04-09. Review status: criteria provided, single submitter. Criteria: Ambry Variant Classification Scheme 2023. Collection method: clinical testing. Allele origin: germline.
Comment: The p.H468Q variant (also known as c.1404C>G), located in coding exon 13 of the AKT1 gene, results from a C to G substitution at nucleotide position 1404. The histidine at codon 468 is replaced by glutamine, an amino acid with highly similar properties. This amino acid position is conserved. In addition, the in silico prediction for this alteration is inconclusive. Based on the available evidence, the clinical significance of this variant remains unclear.